The following is an entry in ClinVar:

ClinVar aggregate classification (germline): Uncertain significance (1 of 4 stars; one submission).

Conditions:
Nemaline myopathy 6 (NEM6). Also called: Nemaline myopathy 6, autosomal dominant. Identifiers: Orphanet 171439, MedGen C1836472, MONDO:0012237, OMIM 609273.

Submission:

Labcorp Genetics (formerly Invitae), Labcorp
Classification: Uncertain significance for Nemaline myopathy 6. Last evaluated: 2025-10-21. Review status: criteria provided, single submitter. Criteria: Invitae Variant Classification Sherloc (09022015). Collection method: clinical testing. Allele origin: germline.
Comment: This sequence change replaces glutamine, which is neutral and polar, with histidine, which is basic and polar, at codon 385 of the KBTBD13 protein (p.Gln385His). This variant is not present in population databases (gnomAD no frequency). This variant has not been reported in the literature in individuals affected with KBTBD13-related conditions. An algorithm developed to predict the effect of missense changes on protein structure and function (PolyPhen-2) suggests that this variant is likely to be tolerated. In summary, the available evidence is currently insufficient to determine the role of this variant in disease. Therefore, it has been classified as a Variant of Uncertain Significance.

NM_001101362.3(KBTBD13):c.1155G>C (p.Gln385His)

Gene: KBTBD13 (kelch repeat and BTB domain containing 13; plus strand). Cytogenetic location: 15q22.31.
Variant type: single nucleotide variant.
Coding change: c.1155G>C on transcript NM_001101362.3 (MANE Select); coding-DNA position 1155, G replaced by C.
Protein change: p.Gln385His; replaces glutamine 385 with histidine.
Molecular consequence: missense variant.
Genome position (GRCh38, 1-based): chr15:65,077,970, G>C. VCF-style: chr15-65077970-G-C. GRCh37 (hg19) VCF-style: chr15-65370308-G-C.
Other names: short protein forms Q385H.
Identifiers: ClinVar variation 4766076 (VCV004766076.1).